The following is an entry in ClinVar:

NM_006059.4(LAMC3):c.1204G>A (p.Ala402Thr)

Gene: LAMC3 (laminin subunit gamma 3; plus strand). Cytogenetic location: 9q34.12.
Variant type: single nucleotide variant.
Coding change: c.1204G>A on transcript NM_006059.4 (MANE Select); coding-DNA position 1204, G replaced by A.
Protein change: p.Ala402Thr; replaces alanine 402 with threonine.
Molecular consequence: missense variant.
Genome position (GRCh38, 1-based): chr9:131,039,169, G>A. VCF-style: chr9-131039169-G-A. GRCh37 (hg19) VCF-style: chr9-133914556-G-A.
Other names: short protein forms A402T.
Identifiers: ClinVar variation 1520316 (VCV001520316.3), dbSNP rs372107086, ClinGen allele CA5286991.
Genomic context (GRCh38, chr9:131,039,169, plus strand): 5'-CCCTGTGCCCTTCCTCTCCCAGGCTCCCTACACCTCCAGTGCGATGACACAGGCACCTGC[G>A]CCTGCAAGCCCACGGTGACTGGCTGGAAGTGTGACCGCTGTCTGCCCGGGTTCCACTCGC-3'
Protein context (NP_006050.3, residues 392-412): HLQCDDTGTC[Ala402Thr]CKPTVTGWKC

ClinVar aggregate classification (germline): Uncertain significance (1 of 4 stars; one submission).

Allele frequency attached by ClinVar (database versions not stated): gnomAD exomes below 0.00001 and 0.00001; gnomAD 0.00001; ExAC 0.00002; ESP Exome Variant Server 0.00008.
gnomAD v4.1: 10 of 1,610,808 alleles (0.00062%); highest among the groups gnomAD compares: East Asian, 0.0067%; no homozygotes.

Submission:

Labcorp Genetics (formerly Invitae), Labcorp
Classification: Uncertain significance. Last evaluated: 2022-08-19. Review status: criteria provided, single submitter. Criteria: Invitae Variant Classification Sherloc (09022015). Collection method: clinical testing. Allele origin: germline.
Comment: This sequence change replaces alanine, which is neutral and non-polar, with threonine, which is neutral and polar, at codon 402 of the LAMC3 protein (p.Ala402Thr). The frequency data for this variant in the population databases is considered unreliable, as metrics indicate poor data quality at this position in the gnomAD database. This variant has not been reported in the literature in individuals affected with LAMC3-related conditions. ClinVar contains an entry for this variant (Variation ID: 1520316). Algorithms developed to predict the effect of missense changes on protein structure and function output the following: SIFT: "Tolerated"; PolyPhen-2: "Benign"; Align-GVGD: "Class C0". The threonine amino acid residue is found in multiple mammalian species, which suggests that this missense change does not adversely affect protein function. In summary, the available evidence is currently insufficient to determine the role of this variant in disease. Therefore, it has been classified as a Variant of Uncertain Significance.